The following is an entry in ClinVar:

NM_001012614.2(CTBP1):c.315C>T (p.Ala105=)

Gene: CTBP1 (C-terminal binding protein 1; minus strand). Cytogenetic location: 4p16.3.
Variant type: single nucleotide variant.
Coding change: c.315C>T on transcript NM_001012614.2 (MANE Select); coding-DNA position 315, C replaced by T.
Protein change: p.Ala105=; no amino-acid change (alanine 105 retained).
Molecular consequence: synonymous variant.
Genome position (GRCh38, 1-based): chr4:1,225,559, G>A on the plus strand (C>T on the coding strand, the complement: CTBP1 is on the minus strand). VCF-style: chr4-1225559-G-A. GRCh37 (hg19) VCF-style: chr4-1219347-G-A.
Other names: c.348C>T, p.Ala116= (NM_001328.3).
Identifiers: ClinVar variation 736010 (VCV000736010.28), dbSNP rs989650064, ClinGen allele CA91171312.
Genomic context (GRCh38, chr4:1,225,559, plus strand): 5'-GATGTGGCACAGCGTCGAGTCGGCCGTCTCCTCCACAGACGCCGCGGGCACGTTGCAGAC[G>A]GCAATGCCTGTGGGGACAAGGACACGGCGGTCACCCCCGGGCCGGGCCCAGCCTCCGGGA-3'
Protein context (NP_001012632.1, residues 95-115): DIKSAGDLGI[Ala105=]VCNVPAASVE

ClinVar aggregate classification (germline): Likely benign. Review status: criteria provided, multiple submitters, no conflicts (2 of 4 stars). 3 submissions from 3 submitters: Likely benign (3). Last evaluated 2022-03-01.

Allele frequency attached by ClinVar (database versions not stated): gnomAD exomes 0.00002 and 0.00005; gnomAD 0.00003 and 0.00004; TOPMed 0.00005.
gnomAD v4.1: 80 of 1,540,322 alleles (0.0052%); highest among the groups gnomAD compares: Non-Finnish European, 0.0061%; no homozygotes.

Submissions (3):

CeGaT Center for Human Genetics Tuebingen
Classification: Likely benign. Last evaluated: 2022-03-01. Review status: criteria provided, single submitter. Criteria: CeGaT Center For Human Genetics Tuebingen Variant Classification Criteria Version 2. Collection method: clinical testing. Allele origin: germline. Affected: yes. Observed: 1 variant allele.
Comment: CTBP1: BP4, BP7

Blueprint Genetics
Classification: Likely benign. Last evaluated: 2020-02-27. Review status: criteria provided, single submitter. Criteria: ACMG Guidelines, 2015. Collection method: clinical testing. Allele origin: germline.

Labcorp Genetics (formerly Invitae), Labcorp
Classification: Likely benign. Last evaluated: 2018-03-02. Review status: criteria provided, single submitter. Criteria: Invitae Variant Classification Sherloc (09022015). Collection method: clinical testing. Allele origin: germline.